The following is an entry in ClinVar:

NM_017777.4(MKS1):c.1279C>T (p.His427Tyr)

Gene: MKS1 (MKS transition zone complex subunit 1; minus strand). Cytogenetic location: 17q22.
Variant type: single nucleotide variant.
Coding change: c.1279C>T on transcript NM_017777.4 (MANE Select); coding-DNA position 1279, C replaced by T.
Protein change: p.His427Tyr; replaces histidine 427 with tyrosine.
Molecular consequence: missense variant. On other transcripts: intron variant (1).
Genome position (GRCh38, 1-based): chr17:58,207,213, G>A on the plus strand (C>T on the coding strand, the complement: MKS1 is on the minus strand). VCF-style: chr17-58207213-G-A. GRCh37 (hg19) VCF-style: chr17-56284574-G-A.
Other names: p.His427Tyr; c.670C>T, p.His224Tyr (NM_001321268.2); c.1279C>T, p.His427Tyr (NM_001321269.2); c.1273+681C>T (NM_001330397.2); c.1279C>T (NM_017777.3); short protein forms H427Y, H224Y.
Identifiers: ClinVar variation 1380699 (VCV001380699.11), dbSNP rs141741656, ClinGen allele CA8669176.

ClinVar aggregate classification (germline): Uncertain significance. Review status: criteria provided, multiple submitters, no conflicts (2 of 4 stars). 5 submissions from 5 submitters: Uncertain significance (5). Last evaluated 2025-12-16.

Conditions:
Inborn genetic diseases. Identifiers: MedGen C0950123, MeSH D030342.
Joubert syndrome. Also called: Familial aplasia of the vermis; JOUBERT-BOLTSHAUSER SYNDROME. Identifiers: Orphanet 475, MedGen C5979921, MONDO:0018772.
Meckel-Gruber syndrome. Also called: Dysencephalia splachnocystica; GRUBER SYNDROME; DYSENCEPHALIA SPLANCHNOCYSTICA. Identifiers: Orphanet 564, MedGen C0265215, MONDO:0018921.
MKS1-related disorder. Also called: MKS1-related condition; MKS1-related disorders. Identifiers: MedGen CN239382.

Allele frequency attached by ClinVar (database versions not stated): gnomAD 0.00001 and 0.00002; gnomAD exomes 0.00001; TOPMed 0.00001; ExAC 0.00002; 1000 Genomes Project 30x 0.00016; 1000 Genomes Project 0.00020.
gnomAD v4.1: 19 of 1,614,078 alleles (0.0012%); highest among the groups gnomAD compares: Middle Eastern, 0.017%; no homozygotes.

Submissions (5):

Ambry Genetics
Classification: Uncertain significance for Inborn genetic diseases. Last evaluated: 2025-12-16. Review status: criteria provided, single submitter. Criteria: Ambry Variant Classification Scheme 2023. Collection method: clinical testing. Allele origin: germline.

PreventionGenetics, part of Exact Sciences
Classification: Uncertain significance for MKS1-related condition. Last evaluated: 2025-07-14. Review status: criteria provided, single submitter. Criteria: ACMG Guidelines, 2015. Collection method: clinical testing. Allele origin: germline.
Comment: The MKS1 c.1279C>T variant is predicted to result in the amino acid substitution p.His427Tyr. To our knowledge, this variant has not been reported in the literature. This variant is reported in 0.0041% of alleles in individuals of African descent in gnomAD. At this time, the clinical significance of this variant is uncertain due to the absence of conclusive functional and genetic evidence.

Blueprint Genetics
Classification: Uncertain significance. Last evaluated: 2024-09-13. Review status: criteria provided, single submitter. Criteria: ACMG Guidelines, 2015. Collection method: clinical testing. Allele origin: germline.

Labcorp Genetics (formerly Invitae), Labcorp
Classification: Uncertain significance for Joubert syndrome; Meckel-Gruber syndrome. Last evaluated: 2022-09-06. Review status: criteria provided, single submitter. Criteria: Invitae Variant Classification Sherloc (09022015). Collection method: clinical testing. Allele origin: germline.
Comment: This sequence change replaces histidine, which is basic and polar, with tyrosine, which is neutral and polar, at codon 427 of the MKS1 protein (p.His427Tyr). This variant is present in population databases (rs141741656, gnomAD 0.004%). This variant has not been reported in the literature in individuals affected with MKS1-related conditions. ClinVar contains an entry for this variant (Variation ID: 1380699). Advanced modeling of protein sequence and biophysical properties (such as structural, functional, and spatial information, amino acid conservation, physicochemical variation, residue mobility, and thermodynamic stability) performed at Invitae indicates that this missense variant is not expected to disrupt MKS1 protein function. In summary, the available evidence is currently insufficient to determine the role of this variant in disease. Therefore, it has been classified as a Variant of Uncertain Significance.

Mayo Clinic Laboratories, Mayo Clinic
Classification: Uncertain significance. Last evaluated: 2021-07-16. Review status: criteria provided, single submitter. Criteria: ACMG Guidelines, 2015. Collection method: clinical testing. Allele origin: germline.